The following is an entry in ClinVar:

ClinVar aggregate classification (germline): Uncertain significance. Review status: criteria provided, multiple submitters, no conflicts (2 of 4 stars). 2 submissions from 2 submitters: Uncertain significance (2). Last evaluated 2025-04-14.

Allele frequency attached by ClinVar (database versions not stated): gnomAD exomes 0.00003; ExAC 0.00004; gnomAD 0.00005; TOPMed 0.00006; ESP Exome Variant Server 0.00008.
gnomAD v4.1: 46 of 1,532,694 alleles (0.003%); highest among the groups gnomAD compares: African/African-American, 0.018%; no homozygotes.

Submissions (2):

Ambry Genetics
Classification: Uncertain significance. Last evaluated: 2025-04-14. Review status: criteria provided, single submitter. Criteria: Ambry Variant Classification Scheme 2023. Collection method: clinical testing. Allele origin: germline.

Labcorp Genetics (formerly Invitae), Labcorp
Classification: Uncertain significance. Last evaluated: 2022-06-14. Review status: criteria provided, single submitter. Criteria: Invitae Variant Classification Sherloc (09022015). Collection method: clinical testing. Allele origin: germline.
Comment: This sequence change replaces threonine, which is neutral and polar, with methionine, which is neutral and non-polar, at codon 882 of the KIAA0556 protein (p.Thr882Met). This variant is present in population databases (rs374377232, gnomAD 0.02%). This variant has not been reported in the literature in individuals affected with KIAA0556-related conditions. Algorithms developed to predict the effect of missense changes on protein structure and function output the following: SIFT: "Tolerated"; PolyPhen-2: "Benign"; Align-GVGD: "Class C0". The methionine amino acid residue is found in multiple mammalian species, which suggests that this missense change does not adversely affect protein function. In summary, the available evidence is currently insufficient to determine the role of this variant in disease. Therefore, it has been classified as a Variant of Uncertain Significance.

NM_015202.5(KATNIP):c.2645C>T (p.Thr882Met)

Gene: KATNIP (katanin interacting protein; plus strand). Cytogenetic location: 16p12.1.
Variant type: single nucleotide variant.
Coding change: c.2645C>T on transcript NM_015202.5 (MANE Select); coding-DNA position 2645, C replaced by T.
Protein change: p.Thr882Met; replaces threonine 882 with methionine.
Molecular consequence: missense variant.
Genome position (GRCh38, 1-based): chr16:27,749,605, C>T. VCF-style: chr16-27749605-C-T. GRCh37 (hg19) VCF-style: chr16-27760926-C-T.
Other names: c.2645C>T (NM_015202.2); short protein forms T882M.
Identifiers: ClinVar variation 2414457 (VCV002414457.4), dbSNP rs374377232, ClinGen allele CA7978023.
Genomic context (GRCh38, chr16:27,749,605, plus strand): 5'-ACTCACAGGGCTTCCCCCCTCTTGTGTCCTTTCTTCCAGAAGACACCTGGTCTTCCAGGA[C>T]GCCGTCACGGTCAAGGTGGCGCAGTGAGCAGGAGCACACACTTCACGAGTCATGGAGCTC-3'
Protein context (NP_056017.4, residues 872-892): ASREDTWSSR[Thr882Met]PSRSRWRSEQ